The following is an entry in ClinVar:

NM_003906.5(MCM3AP):c.4385C>T (p.Pro1462Leu)

Genes: MCM3AP (minichromosome maintenance complex component 3 associated protein; minus strand), MCM3AP-AS1 (MCM3AP antisense RNA 1; plus strand). Cytogenetic location: 21q22.3.
Variant type: single nucleotide variant.
Coding change: c.4385C>T on transcript NM_003906.5 (MANE Select); coding-DNA position 4385, C replaced by T.
Protein change: p.Pro1462Leu; replaces proline 1462 with leucine.
Molecular consequence: missense variant.
Genome position (GRCh38, 1-based): chr21:46,246,792, G>A on the plus strand (C>T on the coding strand, the complement: MCM3AP is on the minus strand). VCF-style: chr21-46246792-G-A. GRCh37 (hg19) VCF-style: chr21-47666706-G-A.
Other names: c.4385C>T (NM_003906.3); short protein forms P1462L.
Identifiers: ClinVar variation 1482534 (VCV001482534.6), dbSNP rs368739095, ClinGen allele CA10076137.

ClinVar aggregate classification (germline): Uncertain significance. Review status: criteria provided, multiple submitters, no conflicts (2 of 4 stars). 2 submissions from 2 submitters: Uncertain significance (2). Last evaluated 2024-01-03.

Conditions:
Inborn genetic diseases. Identifiers: MedGen C0950123, MeSH D030342.

Allele frequency attached by ClinVar (database versions not stated): ESP Exome Variant Server 0.00008.
gnomAD v4.1: 237 of 1,614,084 alleles (0.015%); highest among the groups gnomAD compares: Middle Eastern, 0.099%; 2 homozygotes.

Submissions (2):

Ambry Genetics
Classification: Uncertain significance for Inborn genetic diseases. Last evaluated: 2024-01-03. Review status: criteria provided, single submitter. Criteria: Ambry Variant Classification Scheme 2023. Collection method: clinical testing. Allele origin: germline.

Labcorp Genetics (formerly Invitae), Labcorp
Classification: Uncertain significance. Last evaluated: 2022-07-21. Review status: criteria provided, single submitter. Criteria: Invitae Variant Classification Sherloc (09022015). Collection method: clinical testing. Allele origin: germline.
Comment: This sequence change replaces proline, which is neutral and non-polar, with leucine, which is neutral and non-polar, at codon 1462 of the MCM3AP protein (p.Pro1462Leu). This variant is present in population databases (rs368739095, gnomAD 0.05%). This variant has not been reported in the literature in individuals affected with MCM3AP-related conditions. ClinVar contains an entry for this variant (Variation ID: 1482534). Algorithms developed to predict the effect of missense changes on protein structure and function (SIFT, PolyPhen-2, Align-GVGD) all suggest that this variant is likely to be disruptive. In summary, the available evidence is currently insufficient to determine the role of this variant in disease. Therefore, it has been classified as a Variant of Uncertain Significance.